The following is an entry in ClinVar:

NM_001170629.2(CHD8):c.5157G>T (p.Glu1719Asp)

Gene: CHD8 (chromodomain helicase DNA binding protein 8; minus strand). Cytogenetic location: 14q11.2.
Variant type: single nucleotide variant.
Coding change: c.5157G>T on transcript NM_001170629.2 (MANE Select); coding-DNA position 5157, G replaced by T.
Protein change: p.Glu1719Asp; replaces glutamic acid 1719 with aspartic acid.
Molecular consequence: missense variant.
Genome position (GRCh38, 1-based): chr14:21,395,323, C>A on the plus strand (G>T on the coding strand, the complement: CHD8 is on the minus strand). VCF-style: chr14-21395323-C-A. GRCh37 (hg19) VCF-style: chr14-21863482-C-A.
Other names: c.4320G>T, p.Glu1440Asp (NM_020920.4); short protein forms E1440D, E1719D.
Identifiers: ClinVar variation 1707914 (VCV001707914.2), dbSNP rs1345915553, ClinGen allele CA388884479.

ClinVar aggregate classification (germline): Uncertain significance (1 of 4 stars; one submission).

Submission:

GeneDx
Classification: Uncertain significance. Last evaluated: 2022-03-30. Review status: criteria provided, single submitter. Criteria: GeneDx Variant Classification Process June 2021. Collection method: clinical testing. Allele origin: germline. Affected: yes.
Comment: Not observed at significant frequency in large population cohorts (gnomAD); In silico analysis supports that this missense variant does not alter protein structure/function; Has not been previously published as pathogenic or benign to our knowledge